The following is an entry in ClinVar:

NM_001377.3(DYNC2H1):c.2386del (p.Arg796fs)

Gene: DYNC2H1 (dynein cytoplasmic 2 heavy chain 1; plus strand). Cytogenetic location: 11q22.3.
Variant type: Deletion.
Coding change: c.2386del on transcript NM_001377.3 (MANE Select); coding-DNA position 2386, one base deleted (C; older notation c.2386delC).
Protein change: p.Arg796fs; shifts the reading frame from arginine 796.
Molecular consequence: frameshift variant.
Genome position (GRCh38, 1-based): chr11:103,135,760, C deleted; the last of 2 consecutive C bases (chr11:103,135,759-103,135,760); deleting either gives the same sequence. VCF-style (leftmost placement, unchanged base first): chr11-103135758-TC-T. GRCh37 (hg19) VCF-style: chr11-103006487-TC-T.
Other names: c.2386del, p.Arg796fs (NM_001080463.2); short protein forms R796fs.
Identifiers: ClinVar variation 638016 (VCV000638016.4), dbSNP rs765454943, ClinGen allele CA6253028.

ClinVar aggregate classification (germline): Pathogenic. Review status: criteria provided, single submitter (1 of 4 stars). 2 submissions from 2 submitters: Pathogenic (1). 1 of the submissions does not count toward it. Last evaluated 2018-06-07.

Conditions:
Jeune thoracic dystrophy. Also called: Short-rib thoracic dysplasia; Jeune syndrome; Infantile thoracic dystrophy; Thoracic pelvic phalangeal dystrophy; Jeune's syndrome; Chondroectodermal dysplasia-like syndrome. Identifiers: Orphanet 474, MedGen C0265275, MONDO:0018770.

Submissions (2):

Clinical Genetics and Genomics, Karolinska University Hospital
Classification: Pathogenic. Last evaluated: 2018-06-07. Review status: criteria provided, single submitter. Criteria: ACMG Guidelines, 2015. Collection method: clinical testing. Allele origin: germline. Affected: yes. Observed: 3 variant alleles.

Rare Disease Group, Clinical Genetics, Karolinska Institutet
Classification: Pathogenic for Jeune thoracic dystrophy. Last evaluated: 2018-06-19. Review status: no assertion criteria provided. Collection method: clinical testing. Allele origin: maternal. Inheritance: Autosomal recessive inheritance. Affected: yes. Observed: 1 compound heterozygote. Not counted in ClinVar's aggregate classification.
Comment: The variant c.2386del was seen in compound heterozygous state with another variant in DYNC2H1 (c.10163C>T). In summary, this frameshift variant meets our criteria to be classified as pathogenic.